The following is an entry in ClinVar:

NM_153603.4(COG7):c.319-119G>T

Gene: COG7 (component of oligomeric golgi complex 7; minus strand). Cytogenetic location: 16p12.2.
Variant type: single nucleotide variant.
Coding change: c.319-119G>T on transcript NM_153603.4 (MANE Select); 119 bases into the intron before coding-DNA position 319, G replaced by T.
Molecular consequence: intron variant.
Genome position (GRCh38, 1-based): chr16:23,445,283, C>A on the plus strand (G>T on the coding strand, the complement: COG7 is on the minus strand). VCF-style: chr16-23445283-C-A. GRCh37 (hg19) VCF-style: chr16-23456604-C-A.
Identifiers: ClinVar variation 1687688 (VCV001687688.2), dbSNP rs150776309, ClinGen allele CA279485994.

ClinVar aggregate classification (germline): Likely benign (1 of 4 stars; one submission).

Allele frequency attached by ClinVar (database versions not stated): gnomAD exomes 0.00091; 1000 Genomes Project 30x 0.00703; gnomAD 0.00735 and 0.00782; 1000 Genomes Project 0.00739; TOPMed 0.00841.
gnomAD v4.1: 1,717 of 786,992 alleles (0.22%); highest among the groups gnomAD compares: African/African-American, 2.6%; 34 homozygotes.

Submission:

GeneDx
Classification: Likely benign. Last evaluated: 2021-11-24. Review status: criteria provided, single submitter. Criteria: GeneDx Variant Classification Process June 2021. Collection method: clinical testing. Allele origin: germline. Affected: yes.
Comment: See Variant Classification Assertion Criteria.